The following is an entry in ClinVar:

ClinVar aggregate classification (germline): Conflicting classifications of pathogenicity. Review status: criteria provided, conflicting classifications (1 of 4 stars). 4 submissions from 4 submitters: Uncertain significance (1); Benign (1); Likely benign (2). Last evaluated 2026-02-03.

Conditions:
Hereditary pulmonary alveolar proteinosis. Also called: Pulmonary surfactant metabolism dysfunction. Identifiers: Orphanet 264675, MedGen C3711368, MONDO:0012580.
Interstitial lung disease due to ABCA3 deficiency. Also called: PULMONARY ALVEOLAR PROTEINOSIS, CONGENITAL, 3. Identifiers: Orphanet 440402, MedGen C1970456, MONDO:0012582, OMIM 610921.

Allele frequency attached by ClinVar (database versions not stated): ESP Exome Variant Server 0.00008; gnomAD 0.00017 and 0.00025; TOPMed 0.00018; gnomAD exomes 0.00049; ExAC 0.00051; 1000 Genomes Project 30x 0.00094; 1000 Genomes Project 0.00120.
gnomAD v4.1: 562 of 1,613,848 alleles (0.035%); highest among the groups gnomAD compares: East Asian, 0.66%; 2 homozygotes.

Submissions (4):

Ambry Genetics
Classification: Likely benign for Hereditary pulmonary alveolar proteinosis. Last evaluated: 2026-02-03. Review status: criteria provided, single submitter. Criteria: Ambry Variant Classification Scheme 2023. Collection method: clinical testing. Allele origin: germline.

Labcorp Genetics (formerly Invitae), Labcorp
Classification: Benign. Last evaluated: 2026-02-01. Review status: criteria provided, single submitter. Criteria: Invitae Variant Classification Sherloc (09022015). Collection method: clinical testing. Allele origin: germline.

Blueprint Genetics
Classification: Uncertain significance. Last evaluated: 2024-11-27. Review status: criteria provided, single submitter. Criteria: ACMG Guidelines, 2015. Collection method: clinical testing. Allele origin: germline.

Illumina Laboratory Services, Illumina
Classification: Likely benign for Interstitial lung disease due to ABCA3 deficiency. Last evaluated: 2017-04-28. Review status: criteria provided, single submitter. Criteria: ICSL Variant Classification Criteria 13 December 2019. Collection method: clinical testing. Allele origin: germline.
Comment: This variant was observed as part of a predisposition screen in an ostensibly healthy population. A literature search was performed for the gene, cDNA change, and amino acid change (where applicable). Publications were found based on this search. The evidence from the literature, in combination with allele frequency data from public databases where available, was sufficient to determine this variant is unlikely to cause disease. Therefore, this variant is classified as likely benign.

Literature cited by the submitters: PubMed 23166334 (cited by Ambry Genetics and Illumina Laboratory Services, Illumina); PubMed 26547207 (cited by Ambry Genetics and Illumina Laboratory Services, Illumina).

NM_001089.3(ABCA3):c.1960C>G (p.Leu654Val)

Gene: ABCA3 (ATP binding cassette subfamily A member 3; minus strand). Cytogenetic location: 16p13.3.
Variant type: single nucleotide variant.
Coding change: c.1960C>G on transcript NM_001089.3 (MANE Select); coding-DNA position 1960, C replaced by G.
Protein change: p.Leu654Val; replaces leucine 654 with valine.
Molecular consequence: missense variant.
Genome position (GRCh38, 1-based): chr16:2,297,858, G>C on the plus strand (C>G on the coding strand, the complement: ABCA3 is on the minus strand). VCF-style: chr16-2297858-G-C. GRCh37 (hg19) VCF-style: chr16-2347859-G-C.
Other names: short protein forms L654V.
Identifiers: ClinVar variation 886890 (VCV000886890.13), dbSNP rs150910102, ClinGen allele CA7841016.